The following is an entry in ClinVar:

ClinVar aggregate classification (germline): Conflicting classifications of pathogenicity. Review status: criteria provided, conflicting classifications (1 of 4 stars). 3 submissions from 3 submitters: Uncertain significance (2); Likely benign (1). Last evaluated 2024-10-01.

Conditions:
Familial thoracic aortic aneurysm and aortic dissection (TAAD). Also called: Thoracic aortic aneurysms and dissections. Identifiers: Orphanet 91387, MedGen C4707243, MONDO:0019625.
Heterotopia, periventricular, X-linked dominant (PVNH1). Also called: PERIVENTRICULAR NODULAR HETEROTOPIA 4; HETEROTOPIA, PERIVENTRICULAR, 1; PERIVENTRICULAR NODULAR HETEROTOPIA 1; X-linked periventricular heterotopia. Identifiers: Orphanet 2149, Orphanet 82004, MedGen C1848213, MONDO:0010233, OMIM 300049.
Melnick-Needles syndrome (MNS). Also called: Melnick-Needles Syndrome (FLNA-MNS); MELNICK-NEEDLES OSTEODYSPLASTY; OSTEODYSPLASTY OF MELNICK AND NEEDLES. Identifiers: Orphanet 2484, MedGen C0025237, MONDO:0010650, OMIM 309350.
Oto-palato-digital syndrome, type II (OPD2). Also called: Otopalatodigital Syndrome Type 2 (FLNA-OPD2); FACIOPALATOOSSEOUS SYNDROME; Otopalatodigital Syndrome, Type II; OPD II SYNDROME. Identifiers: Orphanet 669, Orphanet 90652, MedGen C1844696, MONDO:0010571, OMIM 304120.
Frontometaphyseal dysplasia (FMD1). Identifiers: Orphanet 1826, MedGen C0265293, MONDO:0015942.

Allele frequency attached by ClinVar (database versions not stated): gnomAD exomes 0.00001; TOPMed 0.00001.

Submissions (3):

Ambry Genetics
Classification: Uncertain significance for Familial thoracic aortic aneurysm and aortic dissection. Last evaluated: 2024-10-01. Review status: criteria provided, single submitter. Criteria: Ambry Variant Classification Scheme 2023. Collection method: clinical testing. Allele origin: germline.
Comment: The p.R884C variant (also known as c.2650C>T), located in coding exon 17 of the FLNA gene, results from a C to T substitution at nucleotide position 2650. The arginine at codon 884 is replaced by cysteine, an amino acid with highly dissimilar properties. Based on data from gnomAD, the T allele has an overall frequency of <0.01% (2/181344) total alleles studied, with 1 hemizygote(s) observed. The highest observed frequency was <0.01% (2/81198) of European (non-Finnish) alleles. This amino acid position is highly conserved in available vertebrate species. In addition, the in silico prediction for this alteration is inconclusive. Based on the available evidence, the clinical significance of this variant remains unclear.

GeneDx
Classification: Uncertain significance. Last evaluated: 2024-10-01. Review status: criteria provided, single submitter. Criteria: GeneDx Variant Classification Process June 2021. Collection method: clinical testing. Allele origin: germline.
Comment: In silico analysis supports that this missense variant has a deleterious effect on protein structure/function; Has not been previously published as pathogenic or benign to our knowledge

Labcorp Genetics (formerly Invitae), Labcorp
Classification: Likely benign for Oto-palato-digital syndrome, type II; Heterotopia, periventricular, X-linked dominant; Frontometaphyseal dysplasia; Melnick-Needles syndrome. Last evaluated: 2024-06-15. Review status: criteria provided, single submitter. Criteria: Invitae Variant Classification Sherloc (09022015). Collection method: clinical testing. Allele origin: germline.

NM_001110556.2(FLNA):c.2650C>T (p.Arg884Cys)

Gene: FLNA (filamin A; minus strand). Cytogenetic location: Xq28.
Variant type: single nucleotide variant.
Coding change: c.2650C>T on transcript NM_001110556.2 (MANE Select); coding-DNA position 2650, C replaced by T.
Protein change: p.Arg884Cys; replaces arginine 884 with cysteine.
Molecular consequence: missense variant.
Genome position (GRCh38, 1-based): chrX:154,362,248, G>A on the plus strand (C>T on the coding strand, the complement: FLNA is on the minus strand). VCF-style: chrX-154362248-G-A. GRCh37 (hg19) VCF-style: chrX-153590616-G-A.
Other names: c.2650C>T, p.Arg884Cys (NM_001456.4); short protein forms R884C.
Identifiers: ClinVar variation 835218 (VCV000835218.13), dbSNP rs201523624, ClinGen allele CA415233338.